The following is an entry in ClinVar:

NM_001374828.1(ARID1B):c.542A>G (p.His181Arg)

Genes: ARID1B (AT-rich interaction domain 1B; plus strand), LOC115308161 (uncharacterized LOC115308161; minus strand). Cytogenetic location: 6q25.3.
Variant type: single nucleotide variant.
Coding change: c.542A>G on transcript NM_001374828.1 (MANE Select); coding-DNA position 542, A replaced by G.
Protein change: p.His181Arg; replaces histidine 181 with arginine.
Molecular consequence: missense variant.
Genome position (GRCh38, 1-based): chr6:156,778,222, A>G. VCF-style: chr6-156778222-A-G. GRCh37 (hg19) VCF-style: chr6-157099356-A-G.
Other names: c.542A>G, p.His181Arg (NM_001371656.1, NM_001374820.1, NM_017519.3); short protein forms H181R.
Identifiers: ClinVar variation 1348796 (VCV001348796.7), dbSNP rs552796500, ClinGen allele CA4066641.

ClinVar aggregate classification (germline): Uncertain significance (1 of 4 stars; one submission).

Allele frequency attached by ClinVar (database versions not stated): gnomAD exomes 0.00001 and 0.00002; gnomAD 0.00004 and 0.00005; TOPMed 0.00005; ExAC 0.00006; 1000 Genomes Project 30x 0.00031; 1000 Genomes Project 0.00040.
gnomAD v4.1: 42 of 1,536,874 alleles (0.0027%); highest among the groups gnomAD compares: African/African-American, 0.04%; no homozygotes.

Submission:

Labcorp Genetics (formerly Invitae), Labcorp
Classification: Uncertain significance. Last evaluated: 2025-03-31. Review status: criteria provided, single submitter. Criteria: Invitae Variant Classification Sherloc (09022015). Collection method: clinical testing. Allele origin: germline.
Comment: This sequence change replaces histidine, which is basic and polar, with arginine, which is basic and polar, at codon 98 of the ARID1B protein (p.His98Arg). The frequency data for this variant in the population databases is considered unreliable, as metrics indicate poor data quality at this position in the gnomAD database. This variant has not been reported in the literature in individuals affected with ARID1B-related conditions. ClinVar contains an entry for this variant (Variation ID: 1348796). Invitae Evidence Modeling of protein sequence and biophysical properties (such as structural, functional, and spatial information, amino acid conservation, physicochemical variation, residue mobility, and thermodynamic stability) indicates that this missense variant is not expected to disrupt ARID1B protein function with a negative predictive value of 95%. In summary, the available evidence is currently insufficient to determine the role of this variant in disease. Therefore, it has been classified as a Variant of Uncertain Significance.